The following is an entry in ClinVar:

NM_004863.4(SPTLC2):c.768T>G (p.Ile256Met)

Gene: SPTLC2 (serine palmitoyltransferase long chain base subunit 2; minus strand). Cytogenetic location: 14q24.3.
Variant type: single nucleotide variant.
Coding change: c.768T>G on transcript NM_004863.4 (MANE Select); coding-DNA position 768, T replaced by G.
Protein change: p.Ile256Met; replaces isoleucine 256 with methionine.
Molecular consequence: missense variant.
Genome position (GRCh38, 1-based): chr14:77,562,478, A>C on the plus strand (T>G on the coding strand, the complement: SPTLC2 is on the minus strand). VCF-style: chr14-77562478-A-C. GRCh37 (hg19) VCF-style: chr14-78028821-A-C.
Other names: short protein forms I256M.
Identifiers: ClinVar variation 245925 (VCV000245925.10), dbSNP rs879254003, ClinGen allele CA10584491.

ClinVar aggregate classification (germline): Uncertain significance. Review status: criteria provided, multiple submitters, no conflicts (2 of 4 stars). 3 submissions from 3 submitters: Uncertain significance (3). Last evaluated 2026-05-27.

Conditions:
Inborn genetic diseases. Identifiers: MedGen C0950123, MeSH D030342.
Neuropathy, hereditary sensory and autonomic, type 1C. Also called: HSAN IC; HSN IC. Identifiers: Orphanet 36386, MedGen C3150896, MONDO:0013337, OMIM 613640.

Allele frequency attached by ClinVar (database versions not stated): TOPMed 0.00001.

Submissions (3):

Ambry Genetics
Classification: Uncertain significance for Inborn genetic diseases. Last evaluated: 2026-05-27. Review status: criteria provided, single submitter. Criteria: Ambry Variant Classification Scheme 2023. Collection method: clinical testing. Allele origin: germline.

GeneDx
Classification: Uncertain significance. Last evaluated: 2024-06-22. Review status: criteria provided, single submitter. Criteria: GeneDx Variant Classification Process June 2021. Collection method: clinical testing. Allele origin: germline. Affected: yes.
Comment: Not observed at significant frequency in large population cohorts (gnomAD); In silico analysis supports that this missense variant has a deleterious effect on protein structure/function; Has not been previously published as pathogenic or benign to our knowledge

Labcorp Genetics (formerly Invitae), Labcorp
Classification: Uncertain significance for Neuropathy, hereditary sensory and autonomic, type 1C. Last evaluated: 2023-10-09. Review status: criteria provided, single submitter. Criteria: Invitae Variant Classification Sherloc (09022015). Collection method: clinical testing. Allele origin: germline.
Comment: This sequence change replaces isoleucine, which is neutral and non-polar, with methionine, which is neutral and non-polar, at codon 256 of the SPTLC2 protein (p.Ile256Met). This variant is not present in population databases (gnomAD no frequency). This variant has not been reported in the literature in individuals affected with SPTLC2-related conditions. ClinVar contains an entry for this variant (Variation ID: 245925). Advanced modeling of protein sequence and biophysical properties (such as structural, functional, and spatial information, amino acid conservation, physicochemical variation, residue mobility, and thermodynamic stability) performed at Invitae indicates that this missense variant is not expected to disrupt SPTLC2 protein function. In summary, the available evidence is currently insufficient to determine the role of this variant in disease. Therefore, it has been classified as a Variant of Uncertain Significance.